The following is an entry in ClinVar:

ClinVar aggregate classification (germline): Uncertain significance. Review status: criteria provided, multiple submitters, no conflicts (2 of 4 stars). 2 submissions from 2 submitters: Uncertain significance (2). Last evaluated 2023-12-01.

gnomAD v4.1: 12 of 1,613,934 alleles (0.00074%); highest among the groups gnomAD compares: Middle Eastern, 0.033%; no homozygotes.

Submissions (2):

CeGaT Center for Human Genetics Tuebingen
Classification: Uncertain significance. Last evaluated: 2023-12-01. Review status: criteria provided, single submitter. Criteria: CeGaT Center For Human Genetics Tuebingen Variant Classification Criteria Version 2. Collection method: clinical testing. Allele origin: germline. Affected: yes. Observed: 1 variant allele.
Comment: POLR3A: PM2

Labcorp Genetics (formerly Invitae), Labcorp
Classification: Uncertain significance. Last evaluated: 2022-04-18. Review status: criteria provided, single submitter. Criteria: Invitae Variant Classification Sherloc (09022015). Collection method: clinical testing. Allele origin: germline.
Comment: This sequence change replaces histidine, which is basic and polar, with proline, which is neutral and non-polar, at codon 1168 of the POLR3A protein (p.His1168Pro). This variant is present in population databases (rs754226210, gnomAD 0.006%). This variant has not been reported in the literature in individuals affected with POLR3A-related conditions. Algorithms developed to predict the effect of missense changes on protein structure and function (SIFT, PolyPhen-2, Align-GVGD) all suggest that this variant is likely to be tolerated. In summary, the available evidence is currently insufficient to determine the role of this variant in disease. Therefore, it has been classified as a Variant of Uncertain Significance.

NM_007055.4(POLR3A):c.3503A>C (p.His1168Pro)

Gene: POLR3A (RNA polymerase III subunit A; minus strand). Cytogenetic location: 10q22.3.
Variant type: single nucleotide variant.
Coding change: c.3503A>C on transcript NM_007055.4 (MANE Select); coding-DNA position 3503, A replaced by C.
Protein change: p.His1168Pro; replaces histidine 1168 with proline.
Molecular consequence: missense variant.
Genome position (GRCh38, 1-based): chr10:77,982,744, T>G on the plus strand (A>C on the coding strand, the complement: POLR3A is on the minus strand). VCF-style: chr10-77982744-T-G. GRCh37 (hg19) VCF-style: chr10-79742502-T-G.
Other names: short protein forms H1168P.
Identifiers: ClinVar variation 1971037 (VCV001971037.24), dbSNP rs754226210, ClinGen allele CA5570806.